The following is an entry in ClinVar:

ClinVar aggregate classification (germline): Uncertain significance (1 of 4 stars; one submission).

Submission:

Quest Diagnostics Nichols Institute San Juan Capistrano
Classification: Uncertain significance. Last evaluated: 2024-02-05. Review status: criteria provided, single submitter. Criteria: Quest Diagnostics criteria. Collection method: clinical testing. Allele origin: unknown.
Comment: The RAD50 c.1574T>C (p.Met525Thr) variant has not been reported in individuals with RAD50-related conditions in the published literature. It also has not been reported in large, multi-ethnic general populations (Genome Aggregation Database). Analysis of this variant using bioinformatics tools for the prediction of the effect of amino acid changes on protein structure and function yielded predictions that this variant is benign. Based on the available information, we are unable to determine the clinical significance of this variant.

NM_005732.4(RAD50):c.1574T>C (p.Met525Thr)

Gene: RAD50 (RAD50 double strand break repair protein; plus strand). Cytogenetic location: 5q31.1.
Variant type: single nucleotide variant.
Coding change: c.1574T>C on transcript NM_005732.4 (MANE Select); coding-DNA position 1574, T replaced by C.
Protein change: p.Met525Thr; replaces methionine 525 with threonine.
Molecular consequence: missense variant.
Genome position (GRCh38, 1-based): chr5:132,591,345, T>C. VCF-style: chr5-132591345-T-C. GRCh37 (hg19) VCF-style: chr5-131927037-T-C.
Other names: short protein forms M525T.
Identifiers: ClinVar variation 3572254 (VCV003572254.1).